The following is an entry in ClinVar:

NM_002529.4(NTRK1):c.1796_1803dup (p.Arg602fs)

Gene: NTRK1 (neurotrophic receptor tyrosine kinase 1; plus strand). Cytogenetic location: 1q23.1.
Variant type: Duplication.
Coding change: c.1796_1803dup on transcript NM_002529.4 (MANE Select); coding-DNA positions 1796 to 1803, 8 bases duplicated (GCTTCCTC; older notation c.1796_1803dupGCTTCCTC).
Protein change: p.Arg602fs; shifts the reading frame from arginine 602.
Molecular consequence: frameshift variant.
Genome position (GRCh38, 1-based): chr1:156,876,563-156,876,570, GCTTCCTC duplicated; duplicating any 8 consecutive bases within chr1:156,876,562-156,876,570 gives the same sequence; the c. name uses the placement nearest the transcript's 3' end. VCF-style (leftmost placement, unchanged base first): chr1-156876561-C-CCGCTTCCT. GRCh37 (hg19) VCF-style: chr1-156846353-C-CCGCTTCCT.
Other names: c.1688_1695dup, p.Arg566fs (NM_001007792.1); c.1778_1785dup, p.Arg596fs (NM_001012331.2); short protein forms R566fs, R596fs, R602fs.
Identifiers: ClinVar variation 1072893 (VCV001072893.7), dbSNP rs2102920071, ClinGen allele CA2499214233.

ClinVar aggregate classification (germline): Pathogenic (1 of 4 stars; one submission).

Conditions:
Hereditary insensitivity to pain with anhidrosis (CIPA). Also called: hereditary sensory and autonomic neuropathy type 4; NEUROPATHY, CONGENITAL SENSORY, WITH ANHIDROSIS; NTRK1 Congenital Insensitivity to Pain with Anhidrosis; INSENSITIVITY TO PAIN, CONGENITAL, WITH ANHIDROSIS; HSAN Type IV; FAMILIAL DYSAUTONOMIA, TYPE II. Identifiers: Orphanet 642, MedGen C0020074, MONDO:0009746, OMIM 256800.

Submission:

Labcorp Genetics (formerly Invitae), Labcorp
Classification: Pathogenic for Hereditary insensitivity to pain with anhidrosis. Last evaluated: 2020-10-05. Review status: criteria provided, single submitter. Criteria: Invitae Variant Classification Sherloc (09022015). Collection method: clinical testing. Allele origin: germline.
Comment: This sequence change creates a premature translational stop signal (p.Arg596Alafs*59) in the NTRK1 gene. It is expected to result in an absent or disrupted protein product. This variant is not present in population databases (ExAC no frequency). This variant has not been reported in the literature in individuals with NTRK1-related conditions. Loss-of-function variants in NTRK1 are known to be pathogenic (PMID: 10982191). For these reasons, this variant has been classified as Pathogenic.

Literature cited by the submitters: PubMed 10982191.